The following is an entry in ClinVar:

ClinVar aggregate classification (germline): Conflicting classifications of pathogenicity. Review status: criteria provided, conflicting classifications (1 of 4 stars). 4 submissions from 4 submitters: Uncertain significance (2); Likely benign (2). Last evaluated 2025-10-21.

Conditions:
IFT140-related disorder. Also called: IFT140-related condition.
Saldino-Mainzer syndrome (SRTD9). Also called: SHORT-RIB THORACIC DYSPLASIA 9 WITHOUT POLYDACTYLY; CONORENAL SYNDROME; short-rib thoracic dysplasia 9 with or without polydactyly; Renal dysplasia, retinal pigmentary dystrophy, cerebellar ataxia and skeletal dysplasia. Identifiers: Orphanet 140969, MedGen C1849437, MONDO:0009964, OMIM 266920.
Retinitis pigmentosa 80 (RP80). Identifiers: MedGen C4540439, MONDO:0054708, OMIM 617781.

Allele frequency attached by ClinVar (database versions not stated): ExAC 0.00006; TOPMed 0.00007; 1000 Genomes Project 30x 0.00016; 1000 Genomes Project 0.00020.
gnomAD v4.1: 34 of 1,591,604 alleles (0.0021%); highest among the groups gnomAD compares: Admixed American, 0.024%; no homozygotes.

Submissions (4):

Labcorp Genetics (formerly Invitae), Labcorp
Classification: Likely benign for Saldino-Mainzer syndrome. Last evaluated: 2025-10-21. Review status: criteria provided, single submitter. Criteria: Invitae Variant Classification Sherloc (09022015). Collection method: clinical testing. Allele origin: germline.

PreventionGenetics, part of Exact Sciences
Classification: Uncertain significance for IFT140-related condition. Last evaluated: 2025-04-28. Review status: criteria provided, single submitter. Criteria: ACMG Guidelines, 2015. Collection method: clinical testing. Allele origin: germline.
Comment: The IFT140 c.1945G>A variant is predicted to result in the amino acid substitution p.Val649Met. To our knowledge, this variant has not been reported in the literature. This variant is reported in 0.035% of alleles in individuals of Latino descent in gnomAD. At this time, the clinical significance of this variant is uncertain due to the absence of conclusive functional and genetic evidence.

Blueprint Genetics
Classification: Likely benign. Last evaluated: 2024-06-10. Review status: criteria provided, single submitter. Criteria: ACMG Guidelines, 2015. Collection method: clinical testing. Allele origin: germline.

Fulgent Genetics
Classification: Uncertain significance for Saldino-Mainzer syndrome; Retinitis pigmentosa 80. Last evaluated: 2024-02-14. Review status: criteria provided, single submitter. Criteria: ACMG Guidelines, 2015. Collection method: clinical testing. Allele origin: germline.

NM_014714.4(IFT140):c.1945G>A (p.Val649Met)

Gene: IFT140 (intraflagellar transport 140; minus strand). Cytogenetic location: 16p13.3.
Variant type: single nucleotide variant.
Coding change: c.1945G>A on transcript NM_014714.4 (MANE Select); coding-DNA position 1945, G replaced by A.
Protein change: p.Val649Met; replaces valine 649 with methionine.
Molecular consequence: missense variant.
Genome position (GRCh38, 1-based): chr16:1,564,119, C>T on the plus strand (G>A on the coding strand, the complement: IFT140 is on the minus strand). VCF-style: chr16-1564119-C-T. GRCh37 (hg19) VCF-style: chr16-1614120-C-T.
Other names: c.1945G>A (NM_014714.3); short protein forms V649M.
Identifiers: ClinVar variation 1002085 (VCV001002085.13), dbSNP rs534052238, ClinGen allele CA7814070.
Genomic context (GRCh38, chr16:1,564,119, plus strand): 5'-TCTCCTGCACGGCTTCGCATACAAACAGCCGGGGCTCACTCTGGTCCCAGAAGTGGTTCA[C>T]GGGAACATAATTTTTCAGTCCCTCATCCACAAAGAGGTGGCTCCTAAAAGACAAAGGAAG-3'
Protein context (NP_055529.2, residues 639-659): VDEGLKNYVP[Val649Met]NHFWDQSEPR